The following is an entry in ClinVar:

NM_020919.4(ALS2):c.3128G>A (p.Arg1043His)

Gene: ALS2 (alsin Rho guanine nucleotide exchange factor ALS2; minus strand). Cytogenetic location: 2q33.1.
Variant type: single nucleotide variant.
Coding change: c.3128G>A on transcript NM_020919.4 (MANE Select); coding-DNA position 3128, G replaced by A.
Protein change: p.Arg1043His; replaces arginine 1043 with histidine.
Molecular consequence: missense variant.
Genome position (GRCh38, 1-based): chr2:201,726,718, C>T on the plus strand (G>A on the coding strand, the complement: ALS2 is on the minus strand). VCF-style: chr2-201726718-C-T. GRCh37 (hg19) VCF-style: chr2-202591441-C-T.
Other names: short protein forms R1043H.
Identifiers: ClinVar variation 1465589 (VCV001465589.7), dbSNP rs755618674, ClinGen allele CA2057981.

ClinVar aggregate classification (germline): Uncertain significance (1 of 4 stars; one submission).

Conditions:
Infantile-onset ascending hereditary spastic paralysis (IAHSP). Also called: Infantile-Onset Ascending Hereditary Spastic Paralysis (IAHSP); Autosomal Recessive Juvenile Amyotrophic Lateral Sclerosis. Identifiers: Orphanet 293168, MedGen C2931441, MONDO:0011797, OMIM 607225. Disease mechanism: loss of function.

Allele frequency attached by ClinVar (database versions not stated): gnomAD 0.00001 and 0.00002; ExAC 0.00002; TOPMed 0.00002; gnomAD exomes 0.00003.

Submission:

Labcorp Genetics (formerly Invitae), Labcorp
Classification: Uncertain significance for Infantile-onset ascending hereditary spastic paralysis. Last evaluated: 2024-10-15. Review status: criteria provided, single submitter. Criteria: Invitae Variant Classification Sherloc (09022015). Collection method: clinical testing. Allele origin: germline.
Comment: This sequence change replaces arginine, which is basic and polar, with histidine, which is basic and polar, at codon 1043 of the ALS2 protein (p.Arg1043His). This variant is present in population databases (rs755618674, gnomAD 0.01%). This missense change has been observed in individual(s) with clinical features of ALS2-related conditions (PMID: 33770234). ClinVar contains an entry for this variant (Variation ID: 1465589). Invitae Evidence Modeling of protein sequence and biophysical properties (such as structural, functional, and spatial information, amino acid conservation, physicochemical variation, residue mobility, and thermodynamic stability) has been performed for this missense variant. However, the output from this modeling did not meet the statistical confidence thresholds required to predict the impact of this variant on ALS2 protein function. In summary, the available evidence is currently insufficient to determine the role of this variant in disease. Therefore, it has been classified as a Variant of Uncertain Significance.

Literature cited by the submitters: PubMed 33770234.